The following is an entry in ClinVar:

ClinVar aggregate classification (germline): Uncertain significance (1 of 4 stars; one submission).

Allele frequency attached by ClinVar (database versions not stated): gnomAD exomes below 0.00001.
gnomAD v4.1: 2 of 1,613,140 alleles (0.00012%); highest among the groups gnomAD compares: Non-Finnish European, 0.00017%; no homozygotes.

Submission:

Labcorp Genetics (formerly Invitae), Labcorp
Classification: Uncertain significance. Last evaluated: 2022-09-26. Review status: criteria provided, single submitter. Criteria: Invitae Variant Classification Sherloc (09022015). Collection method: clinical testing. Allele origin: germline.
Comment: This variant has not been reported in the literature in individuals affected with PDE3A-related conditions. This variant is not present in population databases (gnomAD no frequency). This sequence change replaces serine, which is neutral and polar, with cysteine, which is neutral and slightly polar, at codon 292 of the PDE3A protein (p.Ser292Cys). In summary, the available evidence is currently insufficient to determine the role of this variant in disease. Therefore, it has been classified as a Variant of Uncertain Significance. Algorithms developed to predict the effect of missense changes on protein structure and function are either unavailable or do not agree on the potential impact of this missense change (SIFT: "Deleterious"; PolyPhen-2: "Probably Damaging"; Align-GVGD: "Class C0"). This missense change has been observed in at least one individual who was not affected with PDE3A-related conditions (Invitae).

NM_000921.5(PDE3A):c.875C>G (p.Ser292Cys)

Genes: PDE3A (phosphodiesterase 3A; plus strand), PDE3A-AS1 (PDE3A antisense RNA 1; minus strand). Cytogenetic location: 12p12.2.
Variant type: single nucleotide variant.
Coding change: c.875C>G on transcript NM_000921.5 (MANE Select); coding-DNA position 875, C replaced by G.
Protein change: p.Ser292Cys; replaces serine 292 with cysteine.
Molecular consequence: missense variant. On other transcripts: 5 prime UTR variant (1).
Genome position (GRCh38, 1-based): chr12:20,370,159, C>G. VCF-style: chr12-20370159-C-G. GRCh37 (hg19) VCF-style: chr12-20523093-C-G.
Other names: c.875C>G, p.Ser292Cys (NM_001378407.1); c.-154C>G (NM_001378408.1); short protein forms S292C.
Identifiers: ClinVar variation 2024874 (VCV002024874.4), dbSNP rs2497915282, ClinGen allele CA384295077.